The following is an entry in ClinVar:

ClinVar aggregate classification (germline): Uncertain significance (1 of 4 stars; one submission).

Conditions:
Nephronophthisis. Also called: Juvenile Nephronophthisis. Identifiers: Orphanet 655, MedGen C0687120, MONDO:0019005, HP:0000090.

Allele frequency attached by ClinVar (database versions not stated): gnomAD exomes 0.00001; ExAC 0.00002; gnomAD 0.00002; TOPMed 0.00002.
gnomAD v4.1: 13 of 1,612,488 alleles (0.00081%); highest among the groups gnomAD compares: South Asian, 0.0077%; no homozygotes.

Submission:

Labcorp Genetics (formerly Invitae), Labcorp
Classification: Uncertain significance for Nephronophthisis. Last evaluated: 2022-06-13. Review status: criteria provided, single submitter. Criteria: Invitae Variant Classification Sherloc (09022015). Collection method: clinical testing. Allele origin: germline.
Comment: In summary, the available evidence is currently insufficient to determine the role of this variant in disease. Therefore, it has been classified as a Variant of Uncertain Significance. Algorithms developed to predict the effect of sequence changes on RNA splicing suggest that this variant may create or strengthen a splice site. Algorithms developed to predict the effect of missense changes on protein structure and function output the following: SIFT: "Deleterious"; PolyPhen-2: "Benign"; Align-GVGD: "Class C0". The arginine amino acid residue is found in multiple mammalian species, which suggests that this missense change does not adversely affect protein function. This variant has not been reported in the literature in individuals affected with NPHP4-related conditions. This variant is present in population databases (rs761124428, gnomAD 0.003%). This sequence change replaces glycine, which is neutral and non-polar, with arginine, which is basic and polar, at codon 1382 of the NPHP4 protein (p.Gly1382Arg).

NM_015102.5(NPHP4):c.4144G>A (p.Gly1382Arg)

Gene: NPHP4 (nephrocystin 4; minus strand). Cytogenetic location: 1p36.31.
Variant type: single nucleotide variant.
Coding change: c.4144G>A on transcript NM_015102.5 (MANE Select); coding-DNA position 4144, G replaced by A.
Protein change: p.Gly1382Arg; replaces glycine 1382 with arginine.
Molecular consequence: missense variant. On other transcripts: non-coding transcript variant (1).
Genome position (GRCh38, 1-based): chr1:5,863,402, C>T on the plus strand (G>A on the coding strand, the complement: NPHP4 is on the minus strand). VCF-style: chr1-5863402-C-T. GRCh37 (hg19) VCF-style: chr1-5923462-C-T.
Other names: c.2605G>A, p.Gly869Arg (NM_001291593.2); c.2608G>A, p.Gly870Arg (NM_001291594.2); short protein forms G869R, G870R, G1382R.
Identifiers: ClinVar variation 1441184 (VCV001441184.8), dbSNP rs761124428, ClinGen allele CA553314.
Genomic context (GRCh38, chr1:5,863,402, plus strand): 5'-CCTCACCCACTCTCTGACTAGGCGCAAACTGCAAGCCGATGGTGTAGGTCTCTCCACCCC[C>T]GACCTGGAAATAAGCATCCAAATCCCAGCATCCACCCCCGGGCTGTCCCACGCTCTCACC-3'
Protein context (NP_055917.1, residues 1372-1392): LRFREDSFQV[Gly1382Arg]GGETYTIGLQ